The following is an entry in ClinVar:

NM_052947.4(ALPK2):c.2051C>T (p.Thr684Ile)

Gene: ALPK2 (alpha kinase 2; minus strand). Cytogenetic location: 18q21.31.
Variant type: single nucleotide variant.
Coding change: c.2051C>T on transcript NM_052947.4 (MANE Select); coding-DNA position 2051, C replaced by T.
Protein change: p.Thr684Ile; replaces threonine 684 with isoleucine.
Molecular consequence: missense variant.
Genome position (GRCh38, 1-based): chr18:58,538,136, G>A on the plus strand (C>T on the coding strand, the complement: ALPK2 is on the minus strand). VCF-style: chr18-58538136-G-A. GRCh37 (hg19) VCF-style: chr18-56205368-G-A.
Other names: short protein forms T684I.
Identifiers: ClinVar variation 2497258 (VCV002497258.2), dbSNP rs1377914488, ClinGen allele CA402571811.

ClinVar aggregate classification (germline): Uncertain significance (1 of 4 stars; one submission).

Allele frequency attached by ClinVar (database versions not stated): gnomAD exomes below 0.00001.
gnomAD v4.1: 2 of 1,614,098 alleles (0.00012%); highest among the groups gnomAD compares: Non-Finnish European, 0.00017%; no homozygotes.

Submission:

Ambry Genetics
Classification: Uncertain significance. Last evaluated: 2023-03-09. Review status: criteria provided, single submitter. Criteria: Ambry Variant Classification Scheme 2023. Collection method: clinical testing. Allele origin: germline.
Comment: The p.T684I variant (also known as c.2051C>T), located in coding exon 4 of the ALPK2 gene, results from a C to T substitution at nucleotide position 2051. The threonine at codon 684 is replaced by isoleucine, an amino acid with similar properties. This amino acid position is conserved. In addition, this alteration is predicted to be tolerated by in silico analysis. Since supporting evidence is limited at this time, the clinical significance of this alteration remains unclear.